The following is an entry in ClinVar:

NM_004006.3(DMD):c.3296A>T (p.Gln1099Leu)

Gene: DMD (dystrophin; minus strand). Cytogenetic location: Xp21.1.
Variant type: single nucleotide variant.
Coding change: c.3296A>T on transcript NM_004006.3 (MANE Select); coding-DNA position 3296, A replaced by T.
Protein change: p.Gln1099Leu; replaces glutamine 1099 with leucine.
Molecular consequence: missense variant.
Genome position (GRCh38, 1-based): chrX:32,463,575, T>A on the plus strand (A>T on the coding strand, the complement: DMD is on the minus strand). VCF-style: chrX-32463575-T-A. GRCh37 (hg19) VCF-style: chrX-32481692-T-A.
Other names: c.3272A>T, p.Gln1091Leu (NM_000109.4); c.3284A>T, p.Gln1095Leu (NM_004009.3); c.2927A>T, p.Gln976Leu (NM_004010.3); short protein forms Q976L, Q1091L, Q1099L, Q1095L.
Identifiers: ClinVar variation 3703273 (VCV003703273.3).

ClinVar aggregate classification (germline): Uncertain significance. Review status: criteria provided, multiple submitters, no conflicts (2 of 4 stars). 2 submissions from 2 submitters: Uncertain significance (2). Last evaluated 2026-08-14.

Conditions:
Cardiovascular phenotype. Identifiers: MedGen CN230736.
Duchenne muscular dystrophy (DMD). Also called: MUSCULAR DYSTROPHY, PSEUDOHYPERTROPHIC PROGRESSIVE, DUCHENNE TYPE; Duchenne Muscular Dystrophy (DMD). Identifiers: Orphanet 98896, MedGen C0013264, MONDO:0010679, OMIM 310200.

Submissions (2):

Ambry Genetics
Classification: Uncertain significance for Cardiovascular phenotype. Last evaluated: 2026-08-14. Review status: criteria provided, single submitter. Criteria: Ambry Variant Classification Scheme 2023. Collection method: clinical testing. Allele origin: germline.
Comment: The p.Q1099L variant (also known as c.3296A>T), located in coding exon 25 of the DMD gene, results from an A to T substitution at nucleotide position 3296. The glutamine at codon 1099 is replaced by leucine, an amino acid with dissimilar properties. This amino acid position is well conserved in available vertebrate species. In addition, this alteration is predicted to be tolerated by in silico analysis. Based on the available evidence, the clinical significance of this variant remains unclear.

Labcorp Genetics (formerly Invitae), Labcorp
Classification: Uncertain significance for Duchenne muscular dystrophy. Last evaluated: 2024-06-20. Review status: criteria provided, single submitter. Criteria: Invitae Variant Classification Sherloc (09022015). Collection method: clinical testing. Allele origin: germline.
Comment: This sequence change replaces glutamine, which is neutral and polar, with leucine, which is neutral and non-polar, at codon 1099 of the DMD protein (p.Gln1099Leu). This variant is not present in population databases (gnomAD no frequency). This variant has not been reported in the literature in individuals affected with DMD-related conditions. Advanced modeling of protein sequence and biophysical properties (such as structural, functional, and spatial information, amino acid conservation, physicochemical variation, residue mobility, and thermodynamic stability) performed at Invitae indicates that this missense variant is not expected to disrupt DMD protein function with a negative predictive value of 95%. In summary, the available evidence is currently insufficient to determine the role of this variant in disease. Therefore, it has been classified as a Variant of Uncertain Significance.